The following is an entry in ClinVar:

ClinVar aggregate classification (germline): Uncertain significance (1 of 4 stars; one submission).

Conditions:
Familial thoracic aortic aneurysm and aortic dissection (TAAD). Also called: Thoracic aortic aneurysms and dissections. Identifiers: Orphanet 91387, MedGen C4707243, MONDO:0019625.

Submission:

Ambry Genetics
Classification: Uncertain significance for Familial thoracic aortic aneurysm and aortic dissection. Last evaluated: 2023-01-22. Review status: criteria provided, single submitter. Criteria: Ambry Variant Classification Scheme 2023. Collection method: clinical testing. Allele origin: germline.
Comment: The p.S51N variant (also known as c.152G>A), located in coding exon 1 of the SKI gene, results from a G to A substitution at nucleotide position 152. The serine at codon 51 is replaced by asparagine, an amino acid with highly similar properties. This amino acid position is conserved. In addition, this alteration is predicted to be tolerated by in silico analysis. Since supporting evidence is limited at this time, the clinical significance of this alteration remains unclear.

NM_003036.4(SKI):c.152G>A (p.Ser51Asn)

Gene: SKI (SKI proto-oncogene; plus strand). Cytogenetic location: 1p36.33.
Variant type: single nucleotide variant.
Coding change: c.152G>A on transcript NM_003036.4 (MANE Select); coding-DNA position 152, G replaced by A.
Protein change: p.Ser51Asn; replaces serine 51 with asparagine.
Molecular consequence: missense variant.
Genome position (GRCh38, 1-based): chr1:2,228,918, G>A. VCF-style: chr1-2228918-G-A. GRCh37 (hg19) VCF-style: chr1-2160357-G-A.
Other names: short protein forms S51N.
Identifiers: ClinVar variation 2452633 (VCV002452633.2), dbSNP rs2527575920, ClinGen allele CA337952200.